The following is an entry in ClinVar:

NM_001452.2(FOXF2):c.796CAC[6] (p.His272del)

Genes: FOXF2 (forkhead box F2; plus strand), FOXF2-DT (FOXF2 divergent transcript; minus strand). Cytogenetic location: 6p25.3.
Variant type: Microsatellite.
Coding change: c.796CAC[6] on transcript NM_001452.2 (MANE Select); six copies in a row of the 3-base unit CAC starting at c.796; the reference has seven copies in a row; one copy, 3 bases deleted.
Protein change: p.His272del; deletes histidine 272.
Genome position (GRCh38, 1-based): chr6:1,390,761-1,390,763, CAC deleted; deleting any 3 consecutive bases within chr6:1,390,743-1,390,763 gives the same sequence; the position shown is the placement nearest the transcript's 3' end. VCF-style (leftmost placement, unchanged base first): chr6-1390742-TCAC-T. GRCh37 (hg19) VCF-style: chr6-1390977-TCAC-T.
Other names: short protein forms H272del.
Identifiers: ClinVar variation 3056857 (VCV003056857.2), dbSNP rs746854384, ClinGen allele CA3614560.
Genomic context (GRCh38, chr6:1,390,742, plus strand): 5'-CCTCGACATGATGCCCGCGGGCTACGACGCCGGCGCGGGCGCCCCCAGCCACGCGCACCC[TCAC>T]CACCACCACCACCACCACGTCCCGCACATGTCGCCCAACCCGGGTTCCACCTACATGGCC-3'

ClinVar aggregate classification (germline): Likely benign (0 of 4 stars; one submission).

Conditions:
FOXF2-related disorder. Also called: FOXF2-related condition.

Submission:

PreventionGenetics, part of Exact Sciences
Classification: Likely benign for FOXF2-related condition. Last evaluated: 2019-10-02. Review status: no assertion criteria provided. Collection method: clinical testing. Allele origin: germline.
Comment: This variant is classified as likely benign based on ACMG/AMP sequence variant interpretation guidelines (Richards et al. 2015 PMID: 25741868, with internal and published modifications).